The following is an entry in ClinVar:

NM_001135022.2(ELMOD3):c.890_891del (p.His297fs)

Gene: ELMOD3 (ELMO domain containing 3; plus strand). Cytogenetic location: 2p11.2.
Variant type: Deletion.
Coding change: c.890_891del on transcript NM_001135022.2 (MANE Select); coding-DNA positions 890 to 891, 2 bases deleted (AT; older notation c.890_891delAT).
Protein change: p.His297fs; shifts the reading frame from histidine 297.
Molecular consequence: frameshift variant. On other transcripts: non-coding transcript variant (3).
Genome position (GRCh38, 1-based): chr2:85,390,212-85,390,213, AT deleted. VCF-style (leftmost placement, unchanged base first): chr2-85390211-CAT-C. GRCh37 (hg19) VCF-style: chr2-85617334-CAT-C.
Other names: c.890_891del, p.His297fs (NM_001135021.2, NM_001135023.2, NM_001329791.2 and 2 more transcripts); c.890_891delAT, p.His297Argfs (NM_032213.5); short protein forms H297fs.
Identifiers: ClinVar variation 2175187 (VCV002175187.4), dbSNP rs756572947, ClinGen allele CA1740539.

ClinVar aggregate classification (germline): Uncertain significance (1 of 4 stars; one submission).

Allele frequency attached by ClinVar (database versions not stated): ExAC 0.00001; gnomAD 0.00001; TOPMed 0.00002; gnomAD exomes 0.00004.

Submission:

Labcorp Genetics (formerly Invitae), Labcorp
Classification: Uncertain significance. Last evaluated: 2022-08-10. Review status: criteria provided, single submitter. Criteria: Invitae Variant Classification Sherloc (09022015). Collection method: clinical testing. Allele origin: germline.
Comment: In summary, the available evidence is currently insufficient to determine the role of this variant in disease. Therefore, it has been classified as a Variant of Uncertain Significance. Experimental studies and prediction algorithms are not available or were not evaluated, and the functional significance of this variant is currently unknown. This variant has not been reported in the literature in individuals affected with ELMOD3-related conditions. This variant is present in population databases (rs756572947, gnomAD 0.003%). This sequence change creates a premature translational stop signal (p.His297Argfs*70) in the ELMOD3 gene. While this is not anticipated to result in nonsense mediated decay, it is expected to disrupt the last 85 amino acid(s) of the ELMOD3 protein.